The following is an entry in ClinVar:

NM_152594.3(SPRED1):c.382C>T (p.Pro128Ser)

Gene: SPRED1 (sprouty related EVH1 domain containing 1; plus strand). Cytogenetic location: 15q14.
Variant type: single nucleotide variant.
Coding change: c.382C>T on transcript NM_152594.3 (MANE Select); coding-DNA position 382, C replaced by T.
Protein change: p.Pro128Ser; replaces proline 128 with serine.
Molecular consequence: missense variant.
Genome position (GRCh38, 1-based): chr15:38,324,768, C>T. VCF-style: chr15-38324768-C-T. GRCh37 (hg19) VCF-style: chr15-38616969-C-T.
Other names: short protein forms P128S.
Identifiers: ClinVar variation 4825575 (VCV004825575.1).

ClinVar aggregate classification (germline): Uncertain significance (1 of 4 stars; one submission).

Conditions:
Cardiovascular phenotype. Identifiers: MedGen CN230736.

gnomAD v4.1: 2 of 1,608,324 alleles (0.00012%); highest among the groups gnomAD compares: Non-Finnish European, 0.00017%; no homozygotes.

Submission:

Ambry Genetics
Classification: Uncertain significance for Cardiovascular phenotype. Last evaluated: 2026-01-18. Review status: criteria provided, single submitter. Criteria: Ambry Variant Classification Scheme 2023. Collection method: clinical testing. Allele origin: germline.
Comment: The p.P128S variant (also known as c.382C>T), located in coding exon 4 of the SPRED1 gene, results from a C to T substitution at nucleotide position 382. The proline at codon 128 is replaced by serine, an amino acid with similar properties. This amino acid position is conserved. In addition, this alteration is predicted to be tolerated by in silico analysis. Based on the available evidence, the clinical significance of this variant remains unclear.